The following is an entry in ClinVar:

NM_000059.4(BRCA2):c.6226G>A (p.Val2076Ile)

Gene: BRCA2 (BRCA2 DNA repair associated; plus strand). Cytogenetic location: 13q13.1.
Variant type: single nucleotide variant.
Coding change: c.6226G>A on transcript NM_000059.4 (MANE Select); coding-DNA position 6226, G replaced by A.
Protein change: p.Val2076Ile; replaces valine 2076 with isoleucine.
Molecular consequence: missense variant.
Genome position (GRCh38, 1-based): chr13:32,340,581, G>A. VCF-style: chr13-32340581-G-A. GRCh37 (hg19) VCF-style: chr13-32914718-G-A.
Other names: short protein forms V2076I.
Identifiers: ClinVar variation 993176 (VCV000993176.5), dbSNP rs776348927, ClinGen allele CA6940937.

ClinVar aggregate classification (germline): Conflicting classifications of pathogenicity. Review status: criteria provided, conflicting classifications (1 of 4 stars). 3 submissions from 3 submitters: Uncertain significance (2); Likely benign (1). Last evaluated 2024-05-08.

Conditions:
Hereditary cancer-predisposing syndrome. Also called: Neoplastic Syndromes, Hereditary; Hereditary Cancer Syndrome; Tumor predisposition; Hereditary neoplastic syndrome. Identifiers: Orphanet 140162, MedGen C0027672, MeSH D009386, MONDO:0015356.
Hereditary breast ovarian cancer syndrome. Also called: Hereditary breast and ovarian cancer; Hereditary breast and ovarian cancer syndrome; Breast and ovarian cancer; BRCA1- and BRCA2-Associated Hereditary Breast and Ovarian Cancer; Hereditary breast and/or ovarian cancer syndrome; Hereditary breast and ovarian cancer syndrome (HBOC). Identifiers: Orphanet 145, MedGen C0677776, MeSH D061325, MONDO:0003582. Disease mechanism: loss of function.

Allele frequency attached by ClinVar (database versions not stated): gnomAD exomes below 0.00001; ExAC 0.00001.
gnomAD v4.1: 1 of 1,610,858 alleles (0.000062%); highest among the groups gnomAD compares: South Asian, 0.0011%; no homozygotes.

Submissions (3):

Labcorp Genetics (formerly Invitae), Labcorp
Classification: Uncertain significance for Hereditary breast ovarian cancer syndrome. Last evaluated: 2024-05-08. Review status: criteria provided, single submitter. Criteria: Invitae Variant Classification Sherloc (09022015). Collection method: clinical testing. Allele origin: germline.
Comment: This sequence change replaces valine, which is neutral and non-polar, with isoleucine, which is neutral and non-polar, at codon 2076 of the BRCA2 protein (p.Val2076Ile). This variant is present in population databases (rs776348927, gnomAD 0.003%). This variant has not been reported in the literature in individuals affected with BRCA2-related conditions. ClinVar contains an entry for this variant (Variation ID: 993176). Advanced modeling of protein sequence and biophysical properties (such as structural, functional, and spatial information, amino acid conservation, physicochemical variation, residue mobility, and thermodynamic stability) performed at Invitae indicates that this missense variant is not expected to disrupt BRCA2 protein function with a negative predictive value of 95%. In summary, the available evidence is currently insufficient to determine the role of this variant in disease. Therefore, it has been classified as a Variant of Uncertain Significance.

University of Washington Department of Laboratory Medicine, University of Washington
Classification: Likely benign for Hereditary cancer-predisposing syndrome. Last evaluated: 2023-03-23. Review status: criteria provided, single submitter. Criteria: Dines et al. (Genet Med. 2020). Collection method: curation. Allele origin: germline.
Comment: Missense variant in a coldspot region where missense variants are very unlikely to be pathogenic (PMID:31911673).

BRCA2 exon 11 coldspot. Reclassification based on statistical prior probability.

Quest Diagnostics Nichols Institute San Juan Capistrano
Classification: Uncertain significance. Last evaluated: 2020-07-15. Review status: criteria provided, single submitter. Criteria: Quest Diagnostics criteria. Collection method: clinical testing. Allele origin: unknown.